The following is an entry in ClinVar:

NM_000256.3(MYBPC3):c.2428C>G (p.Arg810Gly)

Gene: MYBPC3 (myosin binding protein C3; minus strand). Cytogenetic location: 11p11.2.
Variant type: single nucleotide variant.
Coding change: c.2428C>G on transcript NM_000256.3 (MANE Select); coding-DNA position 2428, C replaced by G.
Protein change: p.Arg810Gly; replaces arginine 810 with glycine.
Molecular consequence: missense variant.
Genome position (GRCh38, 1-based): chr11:47,337,565, G>C on the plus strand (C>G on the coding strand, the complement: MYBPC3 is on the minus strand). VCF-style: chr11-47337565-G-C. GRCh37 (hg19) VCF-style: chr11-47359116-G-C.
Other names: short protein forms R810G.
Identifiers: ClinVar variation 839930 (VCV000839930.10), dbSNP rs2095883764, ClinGen allele CA380318500.

ClinVar aggregate classification (germline): Uncertain significance. Review status: criteria provided, multiple submitters, no conflicts (2 of 4 stars). 2 submissions from 2 submitters: Uncertain significance (2). Last evaluated 2025-06-11.

Conditions:
Cardiovascular phenotype. Identifiers: MedGen CN230736.
Hypertrophic cardiomyopathy. Also called: HYPERTROPHIC MYOCARDIOPATHY. Identifiers: Orphanet 217569, MedGen C0007194, MeSH D002312, MONDO:0005045, HP:0001639.

Submissions (2):

Ambry Genetics
Classification: Uncertain significance for Cardiovascular phenotype. Last evaluated: 2025-06-11. Review status: criteria provided, single submitter. Criteria: Ambry Variant Classification Scheme 2023. Collection method: clinical testing. Allele origin: germline.
Comment: The p.R810G variant (also known as c.2428C>G), located in coding exon 25 of the MYBPC3 gene, results from a C to G substitution at nucleotide position 2428. The arginine at codon 810 is replaced by glycine, an amino acid with dissimilar properties. This amino acid position is highly conserved in available vertebrate species. In addition, this alteration is predicted to be deleterious by in silico analysis. Other variant(s) at the same codon, p.R810H (c.2429G>A) and p.R810L (c.2429G>T ), have been identified in individual(s) with features consistent with cardiomyopathy (Van Driest et al. J Am Coll Cardiol. 2004;44(9):1903-10; Van Driest et al. Mol & Genet Metab. 2005;85(4):280-5; Kaski et al. Circ Cardiovasc Genet. 2009;2(5):436-41; Millat G et al. Eur J Med Genet 2010 Jul; 53(5):261-7; Maron et al. Am J Cardiol. 2011;107(4):604-8; Olivotto I et al. J. Am. Coll. Cardiol. 2011 Aug; 58(8):839-48; Roncarati et al. Cell Physiol. 2011;226(11):2894-900; Coppini et al. J Am Coll Cardiol. 2014;64(24):2589-600; Liu et al. Sci Rep. 2015;5:11411; Bagnall RD et al. Circ Genom Precis Med. 2022 Dec;15(6):e003686; Field E et al. J Med Genet. 2022 Aug;59(8):768-775; Sepp R et al. Diagnostics (Basel). 2022 May;12(5)). Based on the available evidence, the clinical significance of this variant remains unclear.

Labcorp Genetics (formerly Invitae), Labcorp
Classification: Uncertain significance for Hypertrophic cardiomyopathy. Last evaluated: 2025-05-17. Review status: criteria provided, single submitter. Criteria: Invitae Variant Classification Sherloc (09022015). Collection method: clinical testing. Allele origin: germline.
Comment: This sequence change replaces arginine, which is basic and polar, with glycine, which is neutral and non-polar, at codon 810 of the MYBPC3 protein (p.Arg810Gly). This variant is not present in population databases (gnomAD no frequency). This missense change has been observed in individual(s) with hypertrophic cardiomyopathy (internal data). ClinVar contains an entry for this variant (Variation ID: 839930). An algorithm developed to predict the effect of missense changes on protein structure and function (PolyPhen-2) suggests that this variant is likely to be disruptive. This variant disrupts the p.Arg810 amino acid residue in MYBPC3. Other variant(s) that disrupt this residue have been determined to be pathogenic (PMID: 12951062, 15519027, 25524337, 27483260; internal data). This suggests that this residue is clinically significant, and that variants that disrupt this residue are likely to be disease-causing. In summary, the available evidence is currently insufficient to determine the role of this variant in disease. Therefore, it has been classified as a Variant of Uncertain Significance.

Literature cited by the submitters: PubMed 12951062 (cited by Labcorp Genetics (formerly Invitae), Labcorp); PubMed 15519027 (cited by Labcorp Genetics (formerly Invitae), Labcorp); PubMed 25524337 (cited by Labcorp Genetics (formerly Invitae), Labcorp); PubMed 27483260 (cited by Labcorp Genetics (formerly Invitae), Labcorp).